The following is an entry in ClinVar:

ClinVar aggregate classification (germline): Likely pathogenic. Review status: criteria provided, multiple submitters, no conflicts (2 of 4 stars). 2 submissions from 2 submitters: Likely pathogenic (2). Last evaluated 2026-01-01.

Submissions (2):

CeGaT Center for Human Genetics Tuebingen
Classification: Likely pathogenic. Last evaluated: 2026-01-01. Review status: criteria provided, single submitter. Criteria: CeGaT Center For Human Genetics Tuebingen Variant Classification Criteria Version 2. Collection method: clinical testing. Allele origin: germline. Affected: yes. Observed: 2 variant alleles.
Comment: COL4A5: PM1, PM2, PP3, PP4, PS4:Supporting

Labcorp Genetics (formerly Invitae), Labcorp
Classification: Likely pathogenic. Last evaluated: 2025-09-16. Review status: criteria provided, single submitter. Criteria: Invitae Variant Classification Sherloc (09022015). Collection method: clinical testing. Allele origin: germline.
Comment: This sequence change replaces glycine, which is neutral and non-polar, with serine, which is neutral and polar, at codon 588 of the COL4A5 protein (p.Gly588Ser). This variant is not present in population databases (gnomAD no frequency). This variant has not been reported in the literature in individuals affected with COL4A5-related conditions. ClinVar contains an entry for this variant (Variation ID: 1711716). Invitae Evidence Modeling of protein sequence and biophysical properties (such as structural, functional, and spatial information, amino acid conservation, physicochemical variation, residue mobility, and thermodynamic stability) indicates that this missense variant is expected to disrupt COL4A5 protein function with a positive predictive value of 95%. This variant disrupts the triple helix domain of COL4A5. Glycine residues within the Gly-Xaa-Yaa repeats of the triple helix domain are required for the structure and stability of fibrillar collagens (PMID: 7695699, 8218237, 19344236). In COL4A5, missense variants at these glycine residues are significantly enriched in individuals with disease (PMID: 23720012, 27627812) compared to the general population (ExAC). In summary, the currently available evidence indicates that the variant is pathogenic, but additional data are needed to prove that conclusively. Therefore, this variant has been classified as Likely Pathogenic.

Literature cited by the submitters: PubMed 7695699 (cited by Labcorp Genetics (formerly Invitae), Labcorp); PubMed 8218237 (cited by Labcorp Genetics (formerly Invitae), Labcorp); PubMed 19344236 (cited by Labcorp Genetics (formerly Invitae), Labcorp); PubMed 23720012 (cited by Labcorp Genetics (formerly Invitae), Labcorp); PubMed 27627812 (cited by Labcorp Genetics (formerly Invitae), Labcorp).

NM_033380.3(COL4A5):c.1762G>A (p.Gly588Ser)

Gene: COL4A5 (collagen type IV alpha 5 chain; plus strand). Cytogenetic location: Xq22.3.
Variant type: single nucleotide variant.
Coding change: c.1762G>A on transcript NM_033380.3 (MANE Select); coding-DNA position 1762, G replaced by A.
Protein change: p.Gly588Ser; replaces glycine 588 with serine.
Molecular consequence: missense variant.
Genome position (GRCh38, 1-based): chrX:108,597,551, G>A. VCF-style: chrX-108597551-G-A. GRCh37 (hg19) VCF-style: chrX-107840781-G-A.
Other names: c.1762G>A, p.Gly588Ser (NM_000495.5); short protein forms G588S.
Identifiers: ClinVar variation 1711716 (VCV001711716.31), dbSNP rs2524309001, ClinGen allele CA413845552.
Genomic context (GRCh38, chrX:108,597,551, plus strand): 5'-GCTCCAGGGCTTCCTGGTTTACCTGGCACTCCTGGACAGGATGGATTGCCAGGGCTTCCT[G>A]GCCCGAAAGGAGAGCCTGTGAGTTGGTTTGATATTTTTGGTTTTGTGATGTTAAATTTTC-3'
Protein context (NP_203699.1, residues 578-598): PGQDGLPGLP[Gly588Ser]PKGEPGGITF